The following is an entry in ClinVar:

NM_001164277.2(SLC37A4):c.1063G>T (p.Glu355Ter)

Gene: SLC37A4 (solute carrier family 37 member 4; minus strand). Cytogenetic location: 11q23.3.
Variant type: single nucleotide variant.
Coding change: c.1063G>T on transcript NM_001164277.2 (MANE Select); coding-DNA position 1063, G replaced by T.
Protein change: p.Glu355Ter; replaces glutamic acid 355 with a stop codon.
Molecular consequence: nonsense.
Genome position (GRCh38, 1-based): chr11:119,025,251, C>A on the plus strand (G>T on the coding strand, the complement: SLC37A4 is on the minus strand). VCF-style: chr11-119025251-C-A. GRCh37 (hg19) VCF-style: chr11-118895961-C-A.
Other names: c.1129G>T, p.Glu377Ter (NM_001164278.2); c.844G>T, p.Glu282Ter (NM_001164279.2); c.1063G>T, p.Glu355Ter (NM_001164280.2, NM_001467.6); short protein forms E355*, E377*, E282*.
Identifiers: ClinVar variation 6922 (VCV000006922.16), dbSNP rs121908975, ClinGen allele CA253999.

ClinVar aggregate classification (germline): Pathogenic/Likely pathogenic. Review status: criteria provided, multiple submitters, no conflicts (2 of 4 stars). 6 submissions from 6 submitters: Pathogenic (3); Likely pathogenic (1). 2 of the submissions do not count toward it. Last evaluated 2022-12-01.

Conditions:
SLC37A4-related disorder. Also called: SLC37A4-related condition.
Glucose-6-phosphate transport defect (GSD1B). Also called: GSD Ib; Glycogen Storage Disease Type Ib. Identifiers: Orphanet 364, Orphanet 79259, MedGen C0268146, MONDO:0009288, OMIM 232220.

Submissions (6):

Baylor Genetics
Classification: Pathogenic for Glucose-6-phosphate transport defect. Last evaluated: 2022-12-01. Review status: criteria provided, single submitter. Criteria: ACMG Guidelines, 2015. Collection method: clinical testing. Allele origin: unknown.

Labcorp Genetics (formerly Invitae), Labcorp
Classification: Pathogenic for Glucose-6-phosphate transport defect. Last evaluated: 2022-02-04. Review status: criteria provided, single submitter. Criteria: Invitae Variant Classification Sherloc (09022015). Collection method: clinical testing. Allele origin: germline.
Comment: ClinVar contains an entry for this variant (Variation ID: 6922). For these reasons, this variant has been classified as Pathogenic. This premature translational stop signal has been observed in individual(s) with glycogen storage disease type Ib (PMID: 9428641, 11949931). In at least one individual the data is consistent with being in trans (on the opposite chromosome) from a pathogenic variant. This sequence change creates a premature translational stop signal (p.Glu355*) in the SLC37A4 gene. It is expected to result in an absent or disrupted protein product. Loss-of-function variants in SLC37A4 are known to be pathogenic (PMID: 9758626, 10940311). This variant is not present in population databases (gnomAD no frequency).

Blueprint Genetics
Classification: Likely pathogenic for SLC37A4-related disorders. Last evaluated: 2021-11-24. Review status: criteria provided, single submitter. Criteria: ACMG Guidelines, 2015. Collection method: clinical testing. Allele origin: germline. Affected: yes. Observed: 1 variant allele.

Women's Health and Genetics/Laboratory Corporation of America, LabCorp
Classification: Pathogenic for Glucose-6-phosphate transport defect. Last evaluated: 2021-02-21. Review status: criteria provided, single submitter. Criteria: LabCorp Variant Classification Summary - May 2015. Collection method: clinical testing. Allele origin: germline.
Comment: Variant summary: SLC37A4 c.1063G>T (p.Glu355X) results in a premature termination codon, predicted to cause a truncation of the encoded protein or absence of the protein due to nonsense mediated decay, which are commonly known mechanisms for disease. Truncations downstream of this position have been classified as pathogenic by our laboratory. The variant was absent in 247192 control chromosomes. c.1063G>T has been reported in the literature in individuals affected with Glycogen Storage Disease Type Ib (example, Gerin_1997, Chou_2002). These data indicate that the variant is likely to be associated with disease. To our knowledge, no experimental evidence demonstrating an impact on protein function has been reported. One clinical diagnostic laboratory has submitted clinical-significance assessments for this variant to ClinVar after 2014 and classified the variant as pathogenic citing overlapping evidence utilized in the context of this evaluation. Based on the evidence outlined above, the variant was classified as pathogenic.

Natera, Inc.
Classification: Pathogenic for Glycogen storage disease type Ib. Last evaluated: 2020-08-10. Review status: no assertion criteria provided. Collection method: clinical testing. Allele origin: germline. Not counted in ClinVar's aggregate classification.

OMIM
Classification: Pathogenic for GLYCOGEN STORAGE DISEASE Ib. Last evaluated: 1997-12-15. Review status: no assertion criteria provided. Collection method: literature only. Allele origin: germline. Not counted in ClinVar's aggregate classification.

Literature cited by the submitters: PubMed 9428641 (cited by 3 submitters); PubMed 11949931 (cited by Labcorp Genetics (formerly Invitae), Labcorp and Women's Health and Genetics/Laboratory Corporation of America, LabCorp); PubMed 9758626 (cited by Labcorp Genetics (formerly Invitae), Labcorp); PubMed 10940311 (cited by Labcorp Genetics (formerly Invitae), Labcorp).